The following is an entry in ClinVar:

NM_016169.4(SUFU):c.1158-10C>T

Gene: SUFU (SUFU negative regulator of hedgehog signaling; plus strand). Cytogenetic location: 10q24.32.
Variant type: single nucleotide variant.
Coding change: c.1158-10C>T on transcript NM_016169.4 (MANE Select); 10 bases into the intron before coding-DNA position 1158, C replaced by T.
Molecular consequence: intron variant.
Genome position (GRCh38, 1-based): chr10:102,617,280, C>T. VCF-style: chr10-102617280-C-T. GRCh37 (hg19) VCF-style: chr10-104377037-C-T.
Other names: c.1158-10C>T (NM_001178133.2).
Identifiers: ClinVar variation 413916 (VCV000413916.14), dbSNP rs904045520, ClinGen allele CA16612829.

ClinVar aggregate classification (germline): Conflicting classifications of pathogenicity. Review status: criteria provided, conflicting classifications (1 of 4 stars). 2 submissions from 2 submitters: Uncertain significance (1); Likely benign (1). Last evaluated 2025-12-29.

Conditions:
Medulloblastoma (MDB). Also called: Medulloblastoma, somatic; MEDULLOBLASTOMA PREDISPOSITION SYNDROME. Identifiers: Orphanet 616, MedGen C0025149, MeSH D008527, MONDO:0007959, OMIM 155255, HP:0002885.
Gorlin syndrome. Also called: Nevoid Basal Cell Carcinoma Syndrome; Basal cell nevus syndrome. Identifiers: Orphanet 377, MedGen C0004779, MONDO:0007187.

Allele frequency attached by ClinVar (database versions not stated): gnomAD exomes below 0.00001.
gnomAD v4.1: 6 of 1,614,204 alleles (0.00037%); highest among the groups gnomAD compares: Admixed American, 0.0083%; no homozygotes.

Submissions (2):

Labcorp Genetics (formerly Invitae), Labcorp
Classification: Likely benign for Gorlin syndrome; Medulloblastoma. Last evaluated: 2025-12-29. Review status: criteria provided, single submitter. Criteria: Invitae Variant Classification Sherloc (09022015). Collection method: clinical testing. Allele origin: germline.

Quest Diagnostics Nichols Institute San Juan Capistrano
Classification: Uncertain significance. Last evaluated: 2025-06-04. Review status: criteria provided, single submitter. Criteria: Quest Diagnostics criteria. Collection method: clinical testing. Allele origin: unknown.
Comment: The SUFU c.1158-10C>T variant has not been reported in individuals with SUFU-related conditions in the published literature. It also has not been reported in large, multi-ethnic general populations (Genome Aggregation Database). Analysis of this variant using software algorithms for the prediction of the effect of nucleotide changes on splicing yielded predictions that this variant does not affect SUFU mRNA splicing. Based on the available information, we are unable to determine the clinical significance of this variant.